The following is an entry in ClinVar:

ClinVar aggregate classification (germline): Uncertain significance (1 of 4 stars; one submission).

Submission:

Labcorp Genetics (formerly Invitae), Labcorp
Classification: Uncertain significance. Last evaluated: 2022-11-08. Review status: criteria provided, single submitter. Criteria: Invitae Variant Classification Sherloc (09022015). Collection method: clinical testing. Allele origin: germline.
Comment: ClinVar contains an entry for this variant (Variation ID: 1521925). In summary, the available evidence is currently insufficient to determine the role of this variant in disease. Therefore, it has been classified as a Variant of Uncertain Significance. Advanced modeling of protein sequence and biophysical properties (such as structural, functional, and spatial information, amino acid conservation, physicochemical variation, residue mobility, and thermodynamic stability) performed at Invitae indicates that this missense variant is expected to disrupt IFT52 protein function. This variant has not been reported in the literature in individuals affected with IFT52-related conditions. This variant is not present in population databases (gnomAD no frequency). This sequence change replaces tyrosine, which is neutral and polar, with cysteine, which is neutral and slightly polar, at codon 76 of the IFT52 protein (p.Tyr76Cys).

NM_016004.5(IFT52):c.227A>G (p.Tyr76Cys)

Gene: IFT52 (intraflagellar transport 52; plus strand). Cytogenetic location: 20q13.12.
Variant type: single nucleotide variant.
Coding change: c.227A>G on transcript NM_016004.5 (MANE Select); coding-DNA position 227, A replaced by G.
Protein change: p.Tyr76Cys; replaces tyrosine 76 with cysteine.
Molecular consequence: missense variant. On other transcripts: 5 prime UTR variant (4).
Genome position (GRCh38, 1-based): chr20:43,603,779, A>G. VCF-style: chr20-43603779-A-G. GRCh37 (hg19) VCF-style: chr20-42232419-A-G.
Other names: c.227A>G, p.Tyr76Cys (NM_001303458.3, NM_001303459.3); c.-445A>G (NM_001323578.2, NM_001323580.2); c.-538A>G (NM_001323579.2, NM_001323581.2); short protein forms Y76C.
Identifiers: ClinVar variation 1521925 (VCV001521925.6), dbSNP rs2145598565, ClinGen allele CA409083684.